The following is an entry in ClinVar:

NM_000824.5(GLRB):c.-102T>C

Gene: GLRB (glycine receptor beta; plus strand). Cytogenetic location: 4q32.1.
Variant type: single nucleotide variant.
Coding change: c.-102T>C on transcript NM_000824.5 (MANE Select); 102 bases upstream of the start codon, T replaced by C.
Molecular consequence: 5 prime UTR variant.
Genome position (GRCh38, 1-based): chr4:157,076,225, T>C. VCF-style: chr4-157076225-T-C. GRCh37 (hg19) VCF-style: chr4-157997377-T-C.
Other names: c.-102T>C (NM_001166061.2).
Identifiers: ClinVar variation 347911 (VCV000347911.6), dbSNP rs3822160, ClinGen allele CA10620329.

ClinVar aggregate classification (germline): Benign. Review status: criteria provided, multiple submitters, no conflicts (2 of 4 stars). 2 submissions from 2 submitters: Benign (2). Last evaluated 2018-01-12.

Conditions:
Hyperekplexia 2 (HKPX2). Identifiers: Orphanet 3197, MedGen C3553291, MONDO:0013828, OMIM 614619.

Allele frequency attached by ClinVar (database versions not stated): gnomAD exomes 0.36000; gnomAD 0.39419 and 0.39474; TOPMed 0.40863; 1000 Genomes Project 0.47364; 1000 Genomes Project 30x 0.48048.
gnomAD v4.1: 59,240 of 150,736 alleles (39%); highest among the groups gnomAD compares: African/African-American, 67%; 14,059 homozygotes.

Submissions (2):

Illumina Laboratory Services, Illumina
Classification: Benign for Hyperekplexia 2. Last evaluated: 2018-01-12. Review status: criteria provided, single submitter. Criteria: ICSL Variant Classification Criteria 13 December 2019. Collection method: clinical testing. Allele origin: germline.
Comment: This variant was observed in the ICSL laboratory as part of a predisposition screen in an ostensibly healthy population. It had not been previously curated by ICSL or reported in the Human Gene Mutation Database (HGMD: prior to June 1st, 2018), and was therefore a candidate for classification through an automated scoring system. Utilizing variant allele frequency, disease prevalence and penetrance estimates, and inheritance mode, an automated score was calculated to assess if this variant is too frequent to cause the disease. Based on the score and internal cut-off values, a variant classified as benign is not then subjected to further curation. The score for this variant resulted in a classification of benign for this disease.

Breakthrough Genomics
Classification: Benign. Review status: criteria provided, single submitter. Criteria: ACMG Guidelines, 2015. Collection method: not provided. Allele origin: germline. Inheritance: Autosomal recessive inheritance. Affected: yes.